The following is an entry in ClinVar:

NM_001029896.2(WDR45):c.326G>A (p.Arg109His)

Gene: WDR45 (WD repeat domain 45; minus strand). Cytogenetic location: Xp11.23.
Variant type: single nucleotide variant.
Coding change: c.326G>A on transcript NM_001029896.2 (MANE Select); coding-DNA position 326, G replaced by A.
Protein change: p.Arg109His; replaces arginine 109 with histidine.
Molecular consequence: missense variant.
Genome position (GRCh38, 1-based): chrX:49,076,660, C>T on the plus strand (G>A on the coding strand, the complement: WDR45 is on the minus strand). VCF-style: chrX-49076660-C-T. GRCh37 (hg19) VCF-style: chrX-48934319-C-T.
Other names: c.329G>A, p.Arg110His (NM_007075.4); short protein forms R109H, R110H.
Identifiers: ClinVar variation 962203 (VCV000962203.12), dbSNP rs782329150, ClinGen allele CA10408569.

ClinVar aggregate classification (germline): Conflicting classifications of pathogenicity. Review status: criteria provided, conflicting classifications (1 of 4 stars). 3 submissions from 3 submitters: Uncertain significance (2); Likely benign (1). Last evaluated 2025-09-15.

Conditions:
Inborn genetic diseases. Identifiers: MedGen C0950123, MeSH D030342.
Neurodegeneration with brain iron accumulation 5 (NBIA5). Also called: Beta-propeller protein-associated neurodegeneration; STATIC ENCEPHALOPATHY OF CHILDHOOD WITH NEURODEGENERATION IN ADULTHOOD. Identifiers: Orphanet 329284, MedGen C3550973, MONDO:0010476, OMIM 300894.

Allele frequency attached by ClinVar (database versions not stated): gnomAD exomes 0.00001 and 0.00002; gnomAD 0.00002; TOPMed 0.00002; ExAC 0.00003.
gnomAD v4.1: 17 of 1,209,108 alleles (0.0014%); highest among the groups gnomAD compares: Middle Eastern, 0.023%; no homozygotes.

Submissions (3):

Labcorp Genetics (formerly Invitae), Labcorp
Classification: Likely benign for Neurodegeneration with brain iron accumulation 5. Last evaluated: 2025-09-15. Review status: criteria provided, single submitter. Criteria: Invitae Variant Classification Sherloc (09022015). Collection method: clinical testing. Allele origin: germline.

GeneDx
Classification: Uncertain significance. Last evaluated: 2025-08-14. Review status: criteria provided, single submitter. Criteria: GeneDx Variant Classification Process June 2021. Collection method: clinical testing. Allele origin: germline. Affected: yes.
Comment: Has not been previously published as pathogenic or benign to our knowledge; In silico analysis supports that this missense variant has a deleterious effect on protein structure/function; In silico analysis is inconclusive as to whether the variant alters gene splicing. In the absence of RNA/functional studies, the actual effect of this sequence change is unknown

Ambry Genetics
Classification: Uncertain significance for Inborn genetic diseases. Last evaluated: 2019-02-11. Review status: criteria provided, single submitter. Criteria: Ambry Variant Classification Scheme 2023. Collection method: clinical testing. Allele origin: germline.
Comment: The p.R110H variant (also known as c.329G>A), located in coding exon 4 of the WDR45 gene, results from a G to A substitution at nucleotide position 329. The arginine at codon 110 is replaced by histidine, an amino acid with highly similar properties. This amino acid position is highly conserved in available vertebrate species. In addition, the in silico prediction for this alteration is inconclusive. Since supporting evidence is limited at this time, the clinical significance of this alteration remains unclear.